The following is an entry in ClinVar:

NM_033305.3(VPS13A):c.5749_5750insAGTTCTATTGCCTTAT (p.Met1917fs)

Gene: VPS13A (vacuolar protein sorting 13 homolog A; plus strand). Cytogenetic location: 9q21.2.
Variant type: Insertion.
Coding change: c.5749_5750insAGTTCTATTGCCTTAT on transcript NM_033305.3 (MANE Select); coding-DNA positions 5749 to 5750, AGTTCTATTGCCTTAT inserted.
Protein change: p.Met1917fs; shifts the reading frame from methionine 1917.
Molecular consequence: frameshift variant.
Genome position: GRCh38 VCF-style: chr9-77321665-A-AAGTTCTATTGCCTTAT. GRCh37 (hg19) VCF-style: chr9-79936581-A-AAGTTCTATTGCCTTAT.
Other names: c.5632_5633insAGTTCTATTGCCTTAT, p.Met1878fs (NM_001018037.2); c.5749_5750insAGTTCTATTGCCTTAT, p.Met1917fs (NM_001018038.3, NM_015186.4); short protein forms M1878fs, M1917fs.
Identifiers: ClinVar variation 5011171 (VCV005011171.1).

ClinVar aggregate classification (germline): Pathogenic (1 of 4 stars; one submission).

Conditions:
VPS13A-related neurodegenerative disease. Also called: ACANTHOCYTOSIS WITH NEUROLOGIC DISORDER; LEVINE-CRITCHLEY SYNDROME; Choreoacanthocytosis; Chorea-acanthocytosis; Choreaacanthocytosis; VPS13A Disease. Identifiers: Orphanet 2388, MedGen C0393576, MONDO:0008695, OMIM 200150.

Submission:

Myriad Genetics, Inc.
Classification: Pathogenic for VPS13A-related neurodegenerative disease. Last evaluated: 2024-05-14. Review status: criteria provided, single submitter. Criteria: Myriad Autosomal Dominant, Autosomal Recessive and X-Linked Classification Criteria (2023). Collection method: clinical testing. Allele origin: unknown.
Comment: NM_033305.2(VPS13A):c.5749_5750ins16(M1917Kfs*15) is expected to be pathogenic in the context of VPS13A disease. This variant is predicted to lead to an abnormal or absent protein product due to the creation of a premature termination codon in VPS13A, a gene where loss-of-function variants are known to be pathogenic. Please note: this variant was assessed in the context of healthy population screening.